The following is an entry in ClinVar:

ClinVar aggregate classification (germline): Likely benign (0 of 4 stars; one submission).

Conditions:
EHMT1-related disorder. Also called: EHMT1-related condition.

Allele frequency attached by ClinVar (database versions not stated): gnomAD exomes 0.00002; ExAC 0.00006; TOPMed 0.00015; 1000 Genomes Project 30x 0.00016; gnomAD 0.00016; 1000 Genomes Project 0.00020.
gnomAD v4.1: 43 of 1,284,166 alleles (0.0033%); highest among the groups gnomAD compares: African/African-American, 0.056%; no homozygotes.

Submission:

PreventionGenetics, part of Exact Sciences
Classification: Likely benign for EHMT1-related condition. Last evaluated: 2020-08-31. Review status: no assertion criteria provided. Collection method: clinical testing. Allele origin: germline.
Comment: This variant is classified as likely benign based on ACMG/AMP sequence variant interpretation guidelines (Richards et al. 2015 PMID: 25741868, with internal and published modifications).

NM_024757.5(EHMT1):c.2382+1700T>G

Genes: EHMT1 (euchromatic histone lysine methyltransferase 1; plus strand), LOC651337 (uncharacterized LOC651337; minus strand). Cytogenetic location: 9q34.3.
Variant type: single nucleotide variant.
Coding change: c.2382+1700T>G on transcript NM_024757.5 (MANE Select); 1700 bases into the intron after coding-DNA position 2382, T replaced by G.
Molecular consequence: intron variant. On other transcripts: non-coding transcript variant (1).
Genome position (GRCh38, 1-based): chr9:137,784,097, T>G. VCF-style: chr9-137784097-T-G. GRCh37 (hg19) VCF-style: chr9-140678549-T-G.
Other names: c.2361+1700T>G (NM_001354263.2); c.2289+1700T>G (NM_001354259.2); c.2383-9T>G (NM_001145527.2).
Identifiers: ClinVar variation 3038480 (VCV003038480.2), dbSNP rs545198228, ClinGen allele CA5374923.